The following is an entry in ClinVar:

ClinVar aggregate classification (germline): Benign. Review status: criteria provided, single submitter (1 of 4 stars). 2 submissions from 1 submitter: Benign (2). Last evaluated 2018-01-12.

Conditions:
Branchiootic syndrome 1 (BOS1). Also called: BO SYNDROME 1; BRANCHIOOTIC DYSPLASIA. Identifiers: MedGen C1865143, MONDO:0011258, OMIM 602588.
Otofaciocervical syndrome 1 (OTFCS). Identifiers: MedGen C3714941, MONDO:0024532, OMIM 166780.

Allele frequency attached by ClinVar (database versions not stated): 1000 Genomes Project 30x 0.00906; 1000 Genomes Project 0.00938; gnomAD 0.00975; TOPMed 0.01063; gnomAD exomes 0.01232.
gnomAD v4.1: 1,810 of 152,868 alleles (1.2%); highest among the groups gnomAD compares: South Asian, 3.3%; 23 homozygotes.

Submissions (2):

Illumina Laboratory Services, Illumina
Classification: Benign for Branchiootic syndrome. Last evaluated: 2018-01-12. Review status: criteria provided, single submitter. Criteria: ICSL Variant Classification Criteria 13 December 2019. Collection method: clinical testing. Allele origin: germline.
Comment: This variant was observed in the ICSL laboratory as part of a predisposition screen in an ostensibly healthy population. It had not been previously curated by ICSL or reported in the Human Gene Mutation Database (HGMD: prior to June 1st, 2018), and was therefore a candidate for classification through an automated scoring system. Utilizing variant allele frequency, disease prevalence and penetrance estimates, and inheritance mode, an automated score was calculated to assess if this variant is too frequent to cause the disease. Based on the score and internal cut-off values, a variant classified as benign is not then subjected to further curation. The score for this variant resulted in a classification of benign for this disease.

Illumina Laboratory Services, Illumina
Classification: Benign for Otofaciocervical syndrome 1. Last evaluated: 2018-01-12. Review status: criteria provided, single submitter. Criteria: ICSL Variant Classification Criteria 13 December 2019. Collection method: clinical testing. Allele origin: germline.
Comment: the same text as in the submission from Illumina Laboratory Services, Illumina above.

NM_000503.6(EYA1):c.*705G>T

Gene: EYA1 (EYA transcriptional coactivator and phosphatase 1; minus strand). Cytogenetic location: 8q13.3.
Variant type: single nucleotide variant.
Coding change: c.*705G>T on transcript NM_000503.6 (MANE Select); 705 bases downstream of the stop codon, G replaced by T.
Molecular consequence: 3 prime UTR variant.
Genome position (GRCh38, 1-based): chr8:71,198,635, C>A on the plus strand (G>T on the coding strand, the complement: EYA1 is on the minus strand). VCF-style: chr8-71198635-C-A. GRCh37 (hg19) VCF-style: chr8-72110870-C-A.
Other names: c.*705G>T (NM_001288574.2, NM_001288575.2, NM_001370333.1 and 5 more transcripts).
Identifiers: ClinVar variation 363639 (VCV000363639.5), dbSNP rs79700717, ClinGen allele CA10628279.